The following is an entry in ClinVar:

NC_000003.12:g.169764721T>G

Genes: TERC (telomerase RNA component; minus strand), LOC110806306 (telomerase RNA component (TERC) promoter; plus strand). Cytogenetic location: 3q26.2.
Variant type: single nucleotide variant.
Genome position: GRCh38 VCF-style: chr3-169764721-T-G. GRCh37 (hg19) VCF-style: chr3-169482509-T-G.
Identifiers: ClinVar variation 938420 (VCV000938420.10), dbSNP rs746192063, ClinGen allele CA2696796.
Genomic context (GRCh38, chr3:169,764,721, plus strand): 5'-CCGCGCGCGGGGACTCGCTCCGTTCCTCTTCCTGCGGCCTGAAAGGCCTGAACCTCGCCC[T>G]CGCCCCCGAGAGACCCGCGGCTGACAGAGCCCAACTCTTCGCGGTGGCAGTGGGTGCCTC-3'

ClinVar aggregate classification (germline): Uncertain significance (1 of 4 stars; one submission).

Conditions:
Dyskeratosis congenita, autosomal dominant 1 (DKCA1). Also called: Dyskeratosis congenita Scoggins type. Identifiers: Orphanet 1775, MedGen C4551974, MONDO:0007485, OMIM 127550. Inheritance: Variable.

Allele frequency attached by ClinVar (database versions not stated): TOPMed below 0.00001; gnomAD exomes 0.00001; ExAC 0.00002.

Submission:

Labcorp Genetics (formerly Invitae), Labcorp
Classification: Uncertain significance for Dyskeratosis congenita, autosomal dominant 1. Last evaluated: 2025-08-11. Review status: criteria provided, single submitter. Criteria: Invitae Variant Classification Sherloc (09022015). Collection method: clinical testing. Allele origin: germline.
Comment: This variant occurs in the TERC gene, which encodes an RNA molecule that does not result in a protein product. This variant is present in population databases (rs746192063, gnomAD 0.002%). This variant has not been reported in the literature in individuals affected with TERC-related conditions. ClinVar contains an entry for this variant (Variation ID: 938420). This variant is located within the BoxH/ACA scaRNA domain of the TERC RNA component, which is required for telomerase activity (PMID: 21844345). In summary, the available evidence is currently insufficient to determine the role of this variant in disease. Therefore, it has been classified as a Variant of Uncertain Significance.

Literature cited by the submitters: PubMed 21844345.